The following is an entry in ClinVar:

ClinVar aggregate classification (germline): Uncertain significance (1 of 4 stars; one submission).

Allele frequency attached by ClinVar (database versions not stated): gnomAD exomes 0.00001; TOPMed 0.00001; gnomAD 0.00002; ESP Exome Variant Server 0.00008.
gnomAD v4.1: 10 of 1,613,430 alleles (0.00062%); highest among the groups gnomAD compares: African/African-American, 0.0067%; no homozygotes.

Submission:

Women's Health and Genetics/Laboratory Corporation of America, LabCorp
Classification: Uncertain significance. Last evaluated: 2024-04-01. Review status: criteria provided, single submitter. Criteria: LabCorp Variant Classification Summary - May 2015. Collection method: clinical testing. Allele origin: germline.
Comment: Variant summary: ADGRL1 c.865C>T (p.Arg289Trp) results in a non-conservative amino acid change in the encoded protein sequence. Five of five in-silico tools predict a damaging effect of the variant on protein function. The variant allele was found at a frequency of 4e-06 in 250014 control chromosomes (gnomAD). The available data on variant occurrences in the general population are insufficient to allow any conclusion about variant significance. To our knowledge, no occurrence of c.865C>T in individuals affected with Developmental Delay, Behavioral Abnormalities, And Neuropsychiatric Disorders and no experimental evidence demonstrating its impact on protein function have been reported. No submitters have cited clinical-significance assessments for this variant to ClinVar. Based on the evidence outlined above, the variant was classified as uncertain significance.

NM_014921.5(ADGRL1):c.850C>T (p.Arg284Trp)

Genes: ADGRL1 (adhesion G protein-coupled receptor L1; minus strand), ADGRL1-AS1 (ADGRL1 antisense RNA 1; plus strand). Cytogenetic location: 19p13.12.
Variant type: single nucleotide variant.
Coding change: c.850C>T on transcript NM_014921.5 (MANE Select); coding-DNA position 850, C replaced by T.
Protein change: p.Arg284Trp; replaces arginine 284 with tryptophan.
Molecular consequence: missense variant.
Genome position (GRCh38, 1-based): chr19:14,162,951, G>A on the plus strand (C>T on the coding strand, the complement: ADGRL1 is on the minus strand). VCF-style: chr19-14162951-G-A. GRCh37 (hg19) VCF-style: chr19-14273763-G-A.
Other names: c.865C>T, p.Arg289Trp (NM_001008701.3); short protein forms R284W, R289W.
Identifiers: ClinVar variation 3251607 (VCV003251607.1), dbSNP rs143201494.